The following is an entry in ClinVar:

NM_001165963.4(SCN1A):c.5797del (p.Arg1933fs)

Genes: SCN1A (sodium voltage-gated channel alpha subunit 1; minus strand), LOC102724058 (uncharacterized LOC102724058; plus strand). Cytogenetic location: 2q24.3.
Variant type: Deletion.
Coding change: c.5797del on transcript NM_001165963.4 (MANE Select); coding-DNA position 5797, one base deleted (C; older notation c.5797delC).
Protein change: p.Arg1933fs; shifts the reading frame from arginine 1933.
Molecular consequence: frameshift variant. On other transcripts: non-coding transcript variant (1).
Genome position (GRCh38, 1-based): chr2:165,991,478, G deleted on the plus strand (C on the coding strand, the reverse complement: SCN1A is on the minus strand). VCF-style (leftmost placement, unchanged base first): chr2-165991477-CG-C. GRCh37 (hg19) VCF-style: chr2-166847987-CG-C.
Other names: NM_001165963.4(SCN1A):c.5797del; p.Arg1933fs; c.5713del, p.Arg1905fs (NM_001165964.3, NM_001353957.2, NM_001353958.2); c.5797del, p.Arg1933fs (NM_001202435.3, NM_001353948.2); c.5764del, p.Arg1922fs (NM_001353949.2, NM_001353950.2, NM_001353951.2 and 2 more transcripts); c.5761del, p.Arg1921fs (NM_001353954.2, NM_001353955.2); c.5710del, p.Arg1904fs (NM_001353960.2); c.3355del, p.Arg1119fs (NM_001353961.2); short protein forms R1905fs, R1933fs, R1922fs, R1119fs, R1904fs, R1921fs.
Identifiers: ClinVar variation 130208 (VCV000130208.14), dbSNP rs587780446, ClinGen allele CA269784.
Genomic context (GRCh38, chr2:165,991,477, plus strand): 5'-AGATTAGCCCCACCTTTGATTTTGTTTTTATTGTACGTAAAGGAAGCTTGTTTTACAGTT[CG>C]CTTTAAAAGGTGGCGTCTGTAAGCACGCTGAATAATGACAGCAGATACTTCCTCTTGTTT-3'

ClinVar aggregate classification (germline): Uncertain significance. Review status: reviewed by expert panel (3 of 4 stars). 4 submissions from 4 submitters: Uncertain significance (1). 3 of the submissions do not count toward it. Last evaluated 2024-10-01.

Conditions:
Early-infantile DEE. Also called: Ohtahara syndrome; Early infantile epileptic encephalopathy with suppression bursts; Early infantile epileptic encephalopathy. Identifiers: Orphanet 1934, MedGen C0393706, MONDO:0800491.
Generalized epilepsy with febrile seizures plus. Also called: Generalized Epilepsy with Febrile Seizures Plus (GEFS+). Identifiers: Orphanet 36387, MedGen C3502809, MONDO:0018214.
Generalized epilepsy with febrile seizures plus, type 2 (GEFSP2). Also called: GEFS+, TYPE 2. Identifiers: Orphanet 36387, MedGen C1858673, MONDO:0011461, OMIM 604403.

Submissions (4):

ClinGen Epilepsy Sodium Channel Variant Curation Expert Panel, Clingen
Classification: Uncertain significance for Generalized epilepsy with febrile seizures plus. Last evaluated: 2024-10-01. Review status: reviewed by expert panel. Criteria: ClinGen EpilepsySCN ACMG Specifications SCN1A V1.0.0. Collection method: curation. Allele origin: germline. Inheritance: Autosomal dominant inheritance.
Comment: The c.5797del variant in SCN1A is a single nucleotide deletion predicted to cause a frameshift at amino acid position 1933 leading to a premature stop codon (p.Arg1933Glufs*3). The variant is located within the last exon and thus predicted to escape nonsense mediated decay. The truncated region is not known to be important for protein function, as missense variants reported in the region do not meet PLP per these criteria. Furthermore, LOF variants within this exon are relatively common in gnomAD v4.1. As such, this variant does not meet criteria to apply PVS1. This variant has been identified in a family in which 2 affected siblings with developmental and epileptic encephalopathy (DEE) harbored the variant, in addition to an unaffected parent and 2 unaffected siblings (LabCorp Genetics, Inc. internal data). Given the severity of the phenotype and presence in multiple unaffected family members, this case was not included as evidence for PS4. The variant is absent from the population database, gnomAD v4.1 (PM2_Supporting). In summary, this variant meets the criteria to be classified as Variant of Uncertain Significance for autosomal dominant SCN1A-related disorder, based on the ACMG/AMP criteria applied, as specified by the ClinGen Epilepsy Sodium Channel VCEP: PM2_Supporting. (version 1.0, approved September 24, 2024).

GeneDx
Classification: Likely pathogenic. Last evaluated: 2025-04-09. Review status: criteria provided, single submitter. Criteria: GeneDx Variant Classification Process June 2021. Collection method: clinical testing. Allele origin: germline. Affected: yes. Not counted in ClinVar's aggregate classification.
Comment: Frameshift variant predicted to result in abnormal protein length as the last 77 amino acid(s) are replaced with 2 different amino acid(s), and other similar variants have been reported in HGMD; Not observed at significant frequency in large population cohorts (gnomAD); Has not been previously published as pathogenic or benign to our knowledge; This variant is associated with the following publications: (PMID: 32347949)

Labcorp Genetics (formerly Invitae), Labcorp
Classification: Pathogenic for Early-infantile DEE. Last evaluated: 2025-01-27. Review status: criteria provided, single submitter. Criteria: Invitae Variant Classification Sherloc (09022015). Collection method: clinical testing. Allele origin: germline. Not counted in ClinVar's aggregate classification.
Comment: This sequence change creates a premature translational stop signal (p.Arg1933Glufs*3) in the SCN1A gene. While this is not anticipated to result in nonsense mediated decay, it is expected to disrupt the last 77 amino acid(s) of the SCN1A protein. This variant is not present in population databases (gnomAD no frequency). This variant has not been reported in the literature in individuals affected with SCN1A-related conditions. ClinVar contains an entry for this variant (Variation ID: 130208). This variant disrupts a region of the SCN1A protein in which other variant(s) (p.Arg1988Trp) have been determined to be pathogenic (PMID: 23708187; internal data). This suggests that this is a clinically significant region of the protein, and that variants that disrupt it are likely to be disease-causing. For these reasons, this variant has been classified as Pathogenic.

Genetic Services Laboratory, University of Chicago
Classification: Pathogenic for Epilepsy, generalized, with febrile seizures plus, type 2. Last evaluated: 2013-03-28. Review status: criteria provided, single submitter. Criteria: ACMG Guidelines, 2007. Collection method: clinical testing. Allele origin: germline. Inheritance: Autosomal dominant inheritance. Affected: yes. Not counted in ClinVar's aggregate classification.

Literature cited by the submitters: PubMed 23708187 (cited by Labcorp Genetics (formerly Invitae), Labcorp).